The following is an entry in ClinVar:

NM_033026.6(PCLO):c.13840G>A (p.Ala4614Thr)

Gene: PCLO (piccolo presynaptic cytomatrix protein; minus strand). Cytogenetic location: 7q21.11.
Variant type: single nucleotide variant.
Coding change: c.13840G>A on transcript NM_033026.6 (MANE Select); coding-DNA position 13840, G replaced by A.
Protein change: p.Ala4614Thr; replaces alanine 4614 with threonine.
Molecular consequence: missense variant.
Genome position (GRCh38, 1-based): chr7:82,845,477, C>T on the plus strand (G>A on the coding strand, the complement: PCLO is on the minus strand). VCF-style: chr7-82845477-C-T. GRCh37 (hg19) VCF-style: chr7-82474793-C-T.
Other names: c.13840G>A, p.Ala4614Thr (NM_014510.3); c.13840G>A (NM_033026.5); short protein forms A4614T.
Identifiers: ClinVar variation 1379166 (VCV001379166.27), dbSNP rs117222461, ClinGen allele CA4319000.
Genomic context (GRCh38, chr7:82,845,477, plus strand): 5'-GTAGTGAAACCTTCTGGAGTTCTGCTGCCAACTGCTTAGGATCAACCCCTGGGGATTTCG[C>T]CTTATCCACTACAACAAAATGAAAGAGATTTACATACTTCTCCATTTCATAGGTACTTTA-3'
Protein context (NP_149015.2, residues 4604-4624): LHEPPKAVDK[Ala4614Thr]KSPGVDPKQL

ClinVar aggregate classification (germline): Benign/Likely benign. Review status: criteria provided, multiple submitters, no conflicts (2 of 4 stars). 3 submissions from 3 submitters: Benign (1); Likely benign (1). 1 of the submissions does not count toward it. Last evaluated 2026-02-02.

Conditions:
PCLO-related disorder. Also called: PCLO-related condition.

Allele frequency attached by ClinVar (database versions not stated): 1000 Genomes Project 30x 0.00031; 1000 Genomes Project 0.00040; gnomAD exomes 0.00093 and 0.00142; TOPMed 0.00108; ExAC 0.00122; gnomAD 0.00122 and 0.00125; ESP Exome Variant Server 0.00150.
gnomAD v4.1: 2,240 of 1,609,206 alleles (0.14%); highest among the groups gnomAD compares: Non-Finnish European, 0.17%; 2 homozygotes.

Submissions (3):

Labcorp Genetics (formerly Invitae), Labcorp
Classification: Benign. Last evaluated: 2026-02-02. Review status: criteria provided, single submitter. Criteria: Invitae Variant Classification Sherloc (09022015). Collection method: clinical testing. Allele origin: germline.

CeGaT Center for Human Genetics Tuebingen
Classification: Likely benign. Last evaluated: 2023-12-01. Review status: criteria provided, single submitter. Criteria: CeGaT Center For Human Genetics Tuebingen Variant Classification Criteria Version 2. Collection method: clinical testing. Allele origin: germline. Affected: yes. Observed: 1 variant allele.
Comment: PCLO: BS2

PreventionGenetics, part of Exact Sciences
Classification: Likely benign for PCLO-related condition. Last evaluated: 2022-11-01. Review status: no assertion criteria provided. Collection method: clinical testing. Allele origin: germline. Not counted in ClinVar's aggregate classification.
Comment: This variant is classified as likely benign based on ACMG/AMP sequence variant interpretation guidelines (Richards et al. 2015 PMID: 25741868, with internal and published modifications).